The following is an entry in ClinVar:

ClinVar aggregate classification (germline): Likely benign (0 of 4 stars; one submission).

Conditions:
PGRMC1-related disorder. Also called: PGRMC1-related condition.

Allele frequency attached by ClinVar (database versions not stated): ExAC 0.00105; TOPMed 0.00107; gnomAD 0.00111; ESP Exome Variant Server 0.00161; gnomAD exomes 0.00180.
gnomAD v4.1: 2,023 of 1,185,632 alleles (0.17%); highest among the groups gnomAD compares: Non-Finnish European, 0.22%; 1 homozygote.

Submission:

PreventionGenetics, part of Exact Sciences
Classification: Likely benign for PGRMC1-related condition. Last evaluated: 2023-02-20. Review status: no assertion criteria provided. Collection method: clinical testing. Allele origin: germline.
Comment: This variant is classified as likely benign based on ACMG/AMP sequence variant interpretation guidelines (Richards et al. 2015 PMID: 25741868, with internal and published modifications).

NM_006667.5(PGRMC1):c.494A>G (p.His165Arg)

Gene: PGRMC1 (progesterone receptor membrane component 1; plus strand). Cytogenetic location: Xq24.
Variant type: single nucleotide variant.
Coding change: c.494A>G on transcript NM_006667.5 (MANE Select); coding-DNA position 494, A replaced by G.
Protein change: p.His165Arg; replaces histidine 165 with arginine.
Molecular consequence: missense variant.
Genome position (GRCh38, 1-based): chrX:119,243,160, A>G. VCF-style: chrX-119243160-A-G. GRCh37 (hg19) VCF-style: chrX-118377123-A-G.
Other names: c.338A>G, p.His113Arg (NM_001282621.2); short protein forms H113R, H165R.
Identifiers: ClinVar variation 3044531 (VCV003044531.2), dbSNP rs147630867, ClinGen allele CA10501743.